The following is an entry in ClinVar:

ClinVar aggregate classification (germline): Uncertain significance. Review status: criteria provided, multiple submitters, no conflicts (2 of 4 stars). 3 submissions from 3 submitters: Uncertain significance (3). Last evaluated 2024-06-04.

Conditions:
Retinal arterial tortuosity. Also called: Retinal arteries, tortuosity of; RETINAL HEMORRHAGE WITH VASCULAR TORTUOSITY. Identifiers: Orphanet 75326, MedGen C0423401, MONDO:0008373, OMIM 180000, HP:0000631.
Microangiopathy and leukoencephalopathy, pontine, autosomal dominant. Also called: Pontine autosomal dominant microangiopathy with leukoencephalopathy; DEMENTIA, HEREDITARY MULTI-INFARCT, SWEDISH TYPE. Identifiers: Orphanet 477749, MedGen C5231411, MONDO:0032814, OMIM 618564.
Hemorrhage, intracerebral, susceptibility to (ICH). Also called: Stroke, hemorrhagic, susceptibility to. Identifiers: MedGen C3281105, MONDO:0100533, OMIM 614519.
Autosomal dominant familial hematuria-retinal arteriolar tortuosity-contractures syndrome. Also called: Angiopathy, hereditary, with nephropathy, aneurysms, and muscle cramps; Hereditary Angiopathy with Nephropathy, Aneurysms, and Muscle Cramps (HANAC) Syndrome. Identifiers: Orphanet 73229, MedGen C2673195, MONDO:0012726, OMIM 611773.
Brain small vessel disease 1 with or without ocular anomalies (BSVD1). Also called: PORENCEPHALY, TYPE 1, AUTOSOMAL DOMINANT; GOULD SYNDROME 1; Brain small vessel disease with or without ocular anomalies; BRAIN SMALL VESSEL DISEASE WITH HEMORRHAGE. Identifiers: Orphanet 2940, Orphanet 36383, Orphanet 99810, MedGen C4755307, MONDO:0008289, OMIM 175780.

gnomAD v4.1: 16 of 1,613,320 alleles (0.00099%); highest among the groups gnomAD compares: African/African-American, 0.0027%; no homozygotes.

Submissions (3):

Fulgent Genetics
Classification: Uncertain significance for Brain small vessel disease 1 with or without ocular anomalies; Retinal arterial tortuosity; Autosomal dominant familial hematuria-retinal arteriolar tortuosity-contractures syndrome; Hemorrhage, intracerebral, susceptibility to; Microangiopathy and leukoencephalopathy, pontine, autosomal dominant. Last evaluated: 2024-06-04. Review status: criteria provided, single submitter. Criteria: ACMG Guidelines, 2015. Collection method: clinical testing. Allele origin: germline.

Labcorp Genetics (formerly Invitae), Labcorp
Classification: Uncertain significance. Last evaluated: 2024-04-25. Review status: criteria provided, single submitter. Criteria: Invitae Variant Classification Sherloc (09022015). Collection method: clinical testing. Allele origin: germline.
Comment: This sequence change replaces isoleucine, which is neutral and non-polar, with leucine, which is neutral and non-polar, at codon 641 of the COL4A1 protein (p.Ile641Leu). This variant is present in population databases (no rsID available, gnomAD 0.0009%). This variant has not been reported in the literature in individuals affected with COL4A1-related conditions. An algorithm developed to predict the effect of missense changes on protein structure and function (PolyPhen-2) suggests that this variant is likely to be tolerated. In summary, the available evidence is currently insufficient to determine the role of this variant in disease. Therefore, it has been classified as a Variant of Uncertain Significance.

Blueprint Genetics
Classification: Uncertain significance. Last evaluated: 2020-10-05. Review status: criteria provided, single submitter. Criteria: ACMG Guidelines, 2015. Collection method: clinical testing. Allele origin: germline.

NM_001845.6(COL4A1):c.1921A>C (p.Ile641Leu)

Gene: COL4A1 (collagen type IV alpha 1 chain; minus strand). Cytogenetic location: 13q34.
Variant type: single nucleotide variant.
Coding change: c.1921A>C on transcript NM_001845.6 (MANE Select); coding-DNA position 1921, A replaced by C.
Protein change: p.Ile641Leu; replaces isoleucine 641 with leucine.
Molecular consequence: missense variant.
Genome position (GRCh38, 1-based): chr13:110,183,253, T>G on the plus strand (A>C on the coding strand, the complement: COL4A1 is on the minus strand). VCF-style: chr13-110183253-T-G. GRCh37 (hg19) VCF-style: chr13-110835600-T-G.
Other names: short protein forms I641L.
Identifiers: ClinVar variation 3575725 (VCV003575725.4).